The following is an entry in ClinVar:

NM_000037.4(ANK1):c.3033C>T (p.Ser1011=)

Gene: ANK1 (ankyrin 1; minus strand). Cytogenetic location: 8p11.21.
Variant type: single nucleotide variant.
Coding change: c.3033C>T on transcript NM_000037.4 (MANE Select); coding-DNA position 3033, C replaced by T.
Protein change: p.Ser1011=; no amino-acid change (serine 1011 retained).
Molecular consequence: synonymous variant.
Genome position (GRCh38, 1-based): chr8:41,695,259, G>A on the plus strand (C>T on the coding strand, the complement: ANK1 is on the minus strand). VCF-style: chr8-41695259-G-A. GRCh37 (hg19) VCF-style: chr8-41552777-G-A.
Other names: p.Ser1011=; c.3156C>T, p.Ser1052= (NM_001142446.2); c.3033C>T, p.Ser1011= (NM_020475.3, NM_020476.3, NM_020477.3).
Identifiers: ClinVar variation 363011 (VCV000363011.45), dbSNP rs61758866, ClinGen allele CA4727998.

ClinVar aggregate classification (germline): Conflicting classifications of pathogenicity. Review status: criteria provided, conflicting classifications (1 of 4 stars). 7 submissions from 6 submitters: Uncertain significance (1); Benign (4); Likely benign (2). Last evaluated 2025-11-04.

Conditions:
Spherocytosis. Identifiers: MedGen C0553720, HP:0004444.
Hereditary spherocytosis type 1. Also called: Spherocytosis type 1; ANK1-Related Spherocytosis. Identifiers: Orphanet 822, MedGen C2674218, MONDO:0008447, OMIM 182900.

Allele frequency attached by ClinVar (database versions not stated): gnomAD exomes 0.00046 and 0.00103; ExAC 0.00126; gnomAD 0.00401 and 0.00422; ESP Exome Variant Server 0.00461; TOPMed 0.00503; 1000 Genomes Project 30x 0.00515; 1000 Genomes Project 0.00559.
gnomAD v4.1: 1,326 of 1,613,990 alleles (0.082%); highest among the groups gnomAD compares: African/African-American, 1.4%; 11 homozygotes.

Submissions (7):

Labcorp Genetics (formerly Invitae), Labcorp
Classification: Benign. Last evaluated: 2025-11-04. Review status: criteria provided, single submitter. Criteria: Invitae Variant Classification Sherloc (09022015). Collection method: clinical testing. Allele origin: germline.

Mayo Clinic Laboratories, Mayo Clinic
Classification: Likely benign. Last evaluated: 2025-06-10. Review status: criteria provided, single submitter. Criteria: ACMG Guidelines, 2015. Collection method: clinical testing. Allele origin: germline. Observed: 11 variant alleles.

Blueprint Genetics
Classification: Likely benign. Last evaluated: 2024-11-27. Review status: criteria provided, single submitter. Criteria: ACMG Guidelines, 2015. Collection method: clinical testing. Allele origin: germline.

ARUP Laboratories, Molecular Genetics and Genomics, ARUP Laboratories
Classification: Benign for Hereditary spherocytosis type 1. Last evaluated: 2023-05-12. Review status: criteria provided, single submitter. Criteria: ARUP Molecular Germline Variant Investigation Process 2024. Collection method: clinical testing. Allele origin: germline.

CeGaT Center for Human Genetics Tuebingen
Classification: Benign. Last evaluated: 2023-03-01. Review status: criteria provided, single submitter. Criteria: CeGaT Center For Human Genetics Tuebingen Variant Classification Criteria Version 2. Collection method: clinical testing. Allele origin: germline. Affected: yes. Observed: 1 variant allele.
Comment: ANK1: BP4, BP7, BS1, BS2

Illumina Laboratory Services, Illumina
Classification: Benign for Hereditary spherocytosis type 1. Last evaluated: 2018-01-13. Review status: criteria provided, single submitter. Criteria: ICSL Variant Classification Criteria 13 December 2019. Collection method: clinical testing. Allele origin: germline.
Comment: This variant was observed in the ICSL laboratory as part of a predisposition screen in an ostensibly healthy population. It had not been previously curated by ICSL or reported in the Human Gene Mutation Database (HGMD: prior to June 1st, 2018), and was therefore a candidate for classification through an automated scoring system. Utilizing variant allele frequency, disease prevalence and penetrance estimates, and inheritance mode, an automated score was calculated to assess if this variant is too frequent to cause the disease. Based on the score and internal cut-off values, a variant classified as benign is not then subjected to further curation. The score for this variant resulted in a classification of benign for this disease.

Illumina Laboratory Services, Illumina
Classification: Uncertain significance for Spherocytosis. Last evaluated: 2018-01-13. Review status: criteria provided, single submitter. Criteria: ICSL Variant Classification Criteria 13 December 2019. Collection method: clinical testing. Allele origin: germline.